The following is an entry in ClinVar:

NM_006329.4(FBLN5):c.1075C>T (p.Arg359Cys)

Gene: FBLN5 (fibulin 5; minus strand). Cytogenetic location: 14q32.12.
Variant type: single nucleotide variant.
Coding change: c.1075C>T on transcript NM_006329.4 (MANE Select); coding-DNA position 1075, C replaced by T.
Protein change: p.Arg359Cys; replaces arginine 359 with cysteine.
Molecular consequence: missense variant.
Genome position (GRCh38, 1-based): chr14:91,877,597, G>A on the plus strand (C>T on the coding strand, the complement: FBLN5 is on the minus strand). VCF-style: chr14-91877597-G-A. GRCh37 (hg19) VCF-style: chr14-92343941-G-A.
Other names: c.907C>T, p.Arg303Cys (NM_001384162.1, NM_001384161.1); c.1198C>T, p.Arg400Cys (NM_001384158.1); c.1126C>T, p.Arg376Cys (NM_001384159.1); c.1075C>T, p.Arg359Cys (NM_001384160.1); short protein forms R303C, R359C, R376C, R400C.
Identifiers: ClinVar variation 2644461 (VCV002644461.27), dbSNP rs750848683, ClinGen allele CA7312623.

ClinVar aggregate classification (germline): Uncertain significance. Review status: criteria provided, multiple submitters, no conflicts (2 of 4 stars). 2 submissions from 2 submitters: Uncertain significance (2). Last evaluated 2025-11-11.

Allele frequency attached by ClinVar (database versions not stated): gnomAD exomes 0.00001; ExAC 0.00002.
gnomAD v4.1: 15 of 1,613,894 alleles (0.00093%); highest among the groups gnomAD compares: African/African-American, 0.0013%; no homozygotes.

Submissions (2):

Labcorp Genetics (formerly Invitae), Labcorp
Classification: Uncertain significance. Last evaluated: 2025-11-11. Review status: criteria provided, single submitter. Criteria: Invitae Variant Classification Sherloc (09022015). Collection method: clinical testing. Allele origin: germline.
Comment: This sequence change replaces arginine, which is basic and polar, with cysteine, which is neutral and slightly polar, at codon 359 of the FBLN5 protein (p.Arg359Cys). This variant is present in population databases (rs750848683, gnomAD 0.002%). This variant has not been reported in the literature in individuals affected with FBLN5-related conditions. ClinVar contains an entry for this variant (Variation ID: 2644461). Invitae Evidence Modeling of protein sequence and biophysical properties (such as structural, functional, and spatial information, amino acid conservation, physicochemical variation, residue mobility, and thermodynamic stability) indicates that this missense variant is expected to disrupt FBLN5 protein function with a positive predictive value of 80%. In summary, the available evidence is currently insufficient to determine the role of this variant in disease. Therefore, it has been classified as a Variant of Uncertain Significance.

CeGaT Center for Human Genetics Tuebingen
Classification: Uncertain significance. Last evaluated: 2023-09-01. Review status: criteria provided, single submitter. Criteria: CeGaT Center For Human Genetics Tuebingen Variant Classification Criteria Version 2. Collection method: clinical testing. Allele origin: germline. Affected: yes. Observed: 1 variant allele.
Comment: FBLN5: PM2